The following is an entry in ClinVar:

NM_005422.4(TECTA):c.2507G>A (p.Arg836Gln)

Genes: TBCEL-TECTA (TBCEL-TECTA readthrough; plus strand), TECTA (tectorin alpha; plus strand), LOC126861365 (P300/CBP strongly-dependent group 1 enhancer GRCh37_chr11:121000154-121001353; plus strand). Cytogenetic location: 11q23.3.
Variant type: single nucleotide variant.
Coding change: c.2507G>A on transcript NM_005422.4 (MANE Select); coding-DNA position 2507, G replaced by A.
Protein change: p.Arg836Gln; replaces arginine 836 with glutamine.
Molecular consequence: missense variant.
Genome position (GRCh38, 1-based): chr11:121,129,777, G>A. VCF-style: chr11-121129777-G-A. GRCh37 (hg19) VCF-style: chr11-121000486-G-A.
Other names: c.3464G>A, p.Arg1155Gln (NM_001378761.1); short protein forms R836Q, R1155Q.
Identifiers: ClinVar variation 2735777 (VCV002735777.4), dbSNP rs142869679, ClinGen allele CA6327009.

ClinVar aggregate classification (germline): Uncertain significance. Review status: criteria provided, multiple submitters, no conflicts (2 of 4 stars). 2 submissions from 2 submitters: Uncertain significance (2). Last evaluated 2024-04-15.

Allele frequency attached by ClinVar (database versions not stated): ExAC 0.00002; ESP Exome Variant Server 0.00008.
gnomAD v4.1: 7 of 1,614,082 alleles (0.00043%); highest among the groups gnomAD compares: South Asian, 0.0011%; no homozygotes.

Submissions (2):

Blueprint Genetics
Classification: Uncertain significance. Last evaluated: 2024-04-15. Review status: criteria provided, single submitter. Criteria: ACMG Guidelines, 2015. Collection method: clinical testing. Allele origin: germline.

Labcorp Genetics (formerly Invitae), Labcorp
Classification: Uncertain significance. Last evaluated: 2023-10-16. Review status: criteria provided, single submitter. Criteria: Invitae Variant Classification Sherloc (09022015). Collection method: clinical testing. Allele origin: germline.
Comment: This sequence change replaces arginine, which is basic and polar, with glutamine, which is neutral and polar, at codon 836 of the TECTA protein (p.Arg836Gln). This variant is present in population databases (rs142869679, gnomAD 0.002%). This missense change has been observed in individual(s) with deafness (PMID: 23804846). Advanced modeling of protein sequence and biophysical properties (such as structural, functional, and spatial information, amino acid conservation, physicochemical variation, residue mobility, and thermodynamic stability) performed at Invitae indicates that this missense variant is not expected to disrupt TECTA protein function. In summary, the available evidence is currently insufficient to determine the role of this variant in disease. Therefore, it has been classified as a Variant of Uncertain Significance.

Literature cited by the submitters: PubMed 23804846 (cited by Labcorp Genetics (formerly Invitae), Labcorp).